The following is an entry in ClinVar:

ClinVar aggregate classification (germline): Uncertain significance (1 of 4 stars; one submission).

Allele frequency attached by ClinVar (database versions not stated): gnomAD exomes 0.00001.

Submission:

Labcorp Genetics (formerly Invitae), Labcorp
Classification: Uncertain significance. Last evaluated: 2022-09-23. Review status: criteria provided, single submitter. Criteria: Invitae Variant Classification Sherloc (09022015). Collection method: clinical testing. Allele origin: germline.
Comment: Advanced modeling of protein sequence and biophysical properties (such as structural, functional, and spatial information, amino acid conservation, physicochemical variation, residue mobility, and thermodynamic stability) performed at Invitae indicates that this missense variant is not expected to disrupt DHX37 protein function. This sequence change replaces aspartic acid, which is acidic and polar, with asparagine, which is neutral and polar, at codon 568 of the DHX37 protein (p.Asp568Asn). This variant is present in population databases (no rsID available, gnomAD 0.008%). This variant has not been reported in the literature in individuals affected with DHX37-related conditions. In summary, the available evidence is currently insufficient to determine the role of this variant in disease. Therefore, it has been classified as a Variant of Uncertain Significance.

NM_032656.4(DHX37):c.1702G>A (p.Asp568Asn)

Gene: DHX37 (DEAH-box helicase 37; minus strand). Cytogenetic location: 12q24.31.
Variant type: single nucleotide variant.
Coding change: c.1702G>A on transcript NM_032656.4 (MANE Select); coding-DNA position 1702, G replaced by A.
Protein change: p.Asp568Asn; replaces aspartic acid 568 with asparagine.
Molecular consequence: missense variant.
Genome position (GRCh38, 1-based): chr12:124,965,701, C>T on the plus strand (G>A on the coding strand, the complement: DHX37 is on the minus strand). VCF-style: chr12-124965701-C-T. GRCh37 (hg19) VCF-style: chr12-125450247-C-T.
Other names: short protein forms D568N.
Identifiers: ClinVar variation 2103439 (VCV002103439.4), dbSNP rs1481032140, ClinGen allele CA387225172.